The following is an entry in ClinVar:

ClinVar aggregate classification (germline): Uncertain significance (1 of 4 stars; one submission).

Conditions:
Chédiak-Higashi syndrome (CHS). Also called: Chediak-Higashi Syndrome. Identifiers: Orphanet 167, MedGen C0007965, MONDO:0008963, OMIM 214500.

Allele frequency attached by ClinVar (database versions not stated): gnomAD 0.00001; gnomAD exomes 0.00002; TOPMed 0.00002; ExAC 0.00003.
gnomAD v4.1: 32 of 1,613,912 alleles (0.002%); highest among the groups gnomAD compares: Middle Eastern, 0.016%; no homozygotes.

Submission:

Labcorp Genetics (formerly Invitae), Labcorp
Classification: Uncertain significance for Chédiak-Higashi syndrome. Last evaluated: 2022-02-28. Review status: criteria provided, single submitter. Criteria: Invitae Variant Classification Sherloc (09022015). Collection method: clinical testing. Allele origin: germline.
Comment: This sequence change replaces arginine, which is basic and polar, with cysteine, which is neutral and slightly polar, at codon 559 of the LYST protein (p.Arg559Cys). This variant is present in population databases (rs771677157, gnomAD 0.01%). This variant has not been reported in the literature in individuals affected with LYST-related conditions. Algorithms developed to predict the effect of missense changes on protein structure and function output the following: SIFT: "Deleterious"; PolyPhen-2: "Possibly Damaging"; Align-GVGD: "Class C0". The cysteine amino acid residue is found in multiple mammalian species, which suggests that this missense change does not adversely affect protein function. In summary, the available evidence is currently insufficient to determine the role of this variant in disease. Therefore, it has been classified as a Variant of Uncertain Significance.

NM_000081.4(LYST):c.1675C>T (p.Arg559Cys)

Gene: LYST (lysosomal trafficking regulator; minus strand). Cytogenetic location: 1q42.3.
Variant type: single nucleotide variant.
Coding change: c.1675C>T on transcript NM_000081.4 (MANE Select); coding-DNA position 1675, C replaced by T.
Protein change: p.Arg559Cys; replaces arginine 559 with cysteine.
Molecular consequence: missense variant.
Genome position (GRCh38, 1-based): chr1:235,809,143, G>A on the plus strand (C>T on the coding strand, the complement: LYST is on the minus strand). VCF-style: chr1-235809143-G-A. GRCh37 (hg19) VCF-style: chr1-235972443-G-A.
Other names: c.1675C>T, p.Arg559Cys (NM_001301365.1); short protein forms R559C.
Identifiers: ClinVar variation 2170653 (VCV002170653.1), dbSNP rs771677157, ClinGen allele CA1467427.
Genomic context (GRCh38, chr1:235,809,143, plus strand): 5'-TATGAACACCCGATAGGATCTGGACACAAGTGCTGCTCAAGGAAGCCTGCTGTAGTAAGC[G>A]CAAGCACTGATGGGCACACACTGCAATGCAACAGCACCGCTCAGGATAATAAACATCTCC-3'
Protein context (NP_000072.2, residues 549-569): CIAVCAHQCL[Arg559Cys]LLQQASLSST